The following is an entry in ClinVar:

NM_007294.4(BRCA1):c.515A>G (p.Gln172Arg)

Gene: BRCA1 (BRCA1 DNA repair associated; minus strand). Cytogenetic location: 17q21.31.
Variant type: single nucleotide variant.
Coding change: c.515A>G on transcript NM_007294.4 (MANE Select); coding-DNA position 515, A replaced by G.
Protein change: p.Gln172Arg; replaces glutamine 172 with arginine.
Molecular consequence: missense variant. On other transcripts: non-coding transcript variant (1).
Genome position (GRCh38, 1-based): chr17:43,099,807, T>C on the plus strand (A>G on the coding strand, the complement: BRCA1 is on the minus strand). VCF-style: chr17-43099807-T-C. GRCh37 (hg19) VCF-style: chr17-41251824-T-C.
Other names: c.512A>G, p.Gln171Arg (NM_001407644.1, NM_001407645.1, NM_001407649.1 and 65 more transcripts); c.506A>G, p.Gln169Arg (NM_001407646.1, NM_001407647.1, NM_001408408.1); c.515A>G, p.Gln172Arg (NM_001407648.1, NM_001407652.1, NM_001407664.1 and 97 more transcripts); c.437A>G, p.Gln146Arg (NM_001407653.1, NM_001407654.1, NM_001407655.1 and 12 more transcripts); c.434A>G, p.Gln145Arg (NM_001407659.1, NM_001407660.1, NM_001407661.1 and 6 more transcripts); c.374A>G, p.Gln125Arg (NM_001407692.1, NM_001407694.1, NM_001407695.1 and 61 more transcripts); c.371A>G, p.Gln124Arg (NM_001407740.1, NM_001407741.1, NM_001407742.1 and 35 more transcripts); c.302A>G, p.Gln101Arg (NM_001407853.1, NM_001407894.1, NM_001407895.1 and 18 more transcripts); and 4 more; short protein forms Q172R, Q125R, Q127R, Q169R, Q45R, Q101R, Q145R, Q146R.
Identifiers: ClinVar variation 482899 (VCV000482899.18), dbSNP rs1555594863, ClinGen allele CA10601114.

ClinVar aggregate classification (germline): Uncertain significance. Review status: criteria provided, multiple submitters, no conflicts (2 of 4 stars). 6 submissions from 6 submitters: Uncertain significance (5). 1 of the submissions does not count toward it. Last evaluated 2025-11-26.

Conditions:
Hereditary breast ovarian cancer syndrome. Also called: Breast and ovarian cancer; Hereditary breast and/or ovarian cancer syndrome; BRCA1- and BRCA2-Associated Hereditary Breast and Ovarian Cancer; Hereditary breast and ovarian cancer syndrome; Hereditary breast and ovarian cancer syndrome (HBOC); Hereditary breast and ovarian cancer. Identifiers: Orphanet 145, MedGen C0677776, MeSH D061325, MONDO:0003582. Disease mechanism: loss of function.
Breast-ovarian cancer, familial, susceptibility to, 1 (BROVCA1). Also called: BRCA1 Hereditary Breast and Ovarian Cancer; OVARIAN CANCER, SUSCEPTIBILITY TO. Identifiers: Orphanet 145, MedGen C2676676, MONDO:0011450, OMIM 604370. Disease mechanism: loss of function.
Hereditary cancer-predisposing syndrome. Also called: Tumor predisposition; Hereditary Cancer Syndrome; Hereditary neoplastic syndrome; Neoplastic Syndromes, Hereditary. Identifiers: Orphanet 140162, MedGen C0027672, MeSH D009386, MONDO:0015356.
Malignant tumor of breast. Also called: Cancer breast; Malignant breast neoplasm. Identifiers: MedGen C0006142, MONDO:0007254. Disease mechanism: loss of function.

Allele frequency attached by ClinVar (database versions not stated): gnomAD exomes below 0.00001.
gnomAD v4.1: 3 of 1,613,394 alleles (0.00019%); highest among the groups gnomAD compares: Non-Finnish European, 0.00017%; no homozygotes.

Submissions (6):

Labcorp Genetics (formerly Invitae), Labcorp
Classification: Uncertain significance for Hereditary breast ovarian cancer syndrome. Last evaluated: 2025-11-26. Review status: criteria provided, single submitter. Criteria: Invitae Variant Classification Sherloc (09022015). Collection method: clinical testing. Allele origin: germline.
Comment: This sequence change replaces glutamine, which is neutral and polar, with arginine, which is basic and polar, at codon 172 of the BRCA1 protein (p.Gln172Arg). This variant is not present in population databases (gnomAD no frequency). This variant has not been reported in the literature in individuals affected with BRCA1-related conditions. ClinVar contains an entry for this variant (Variation ID: 482899). Invitae Evidence Modeling of protein sequence and biophysical properties (such as structural, functional, and spatial information, amino acid conservation, physicochemical variation, residue mobility, and thermodynamic stability) indicates that this missense variant is not expected to disrupt BRCA1 protein function with a negative predictive value of 80%. In summary, the available evidence is currently insufficient to determine the role of this variant in disease. Therefore, it has been classified as a Variant of Uncertain Significance.

Dasa
Classification: Uncertain significance for Breast-ovarian cancer, familial, susceptibility to, 1. Last evaluated: 2025-11-14. Review status: criteria provided, single submitter. Criteria: DASA Assertion Criteria. Collection method: clinical testing. Allele origin: germline.
Comment: NM_007294.4(BRCA1):c.515A>G (p.Gln172Arg) is a missense variant that results in the substitution of glutamine with arginine. Functional evidence supports a deleterious effect on the gene or gene product (PMID: 33087888). This variant has been reported in individuals with Breast-ovarian cancer, familial, susceptibility to, 1 (PMID: 33087888). The variant is present at low frequency in population datasets. Based on the available data, this variant is classified as variant of uncertain significance.

Quest Diagnostics Nichols Institute San Juan Capistrano
Classification: Uncertain significance. Last evaluated: 2025-03-03. Review status: criteria provided, single submitter. Criteria: Quest Diagnostics criteria. Collection method: clinical testing. Allele origin: unknown.
Comment: The BRCA1 c.515A>G (p.Gln172Arg) variant has been reported in the published literature in an individual with breast cancer and leiomyosarcoma (PMID: 32885271 (2021)). This variant has not been reported in large, multi-ethnic general populations (Genome Aggregation Database). Analysis of this variant using bioinformatics tools for the prediction of the effect of amino acid changes on protein structure and function yielded conflicting predictions that this variant is benign or damaging. Based on the available information, we are unable to determine the clinical significance of this variant.

Ambry Genetics
Classification: Uncertain significance for Hereditary cancer-predisposing syndrome. Last evaluated: 2024-04-12. Review status: criteria provided, single submitter. Criteria: Ambry Variant Classification Scheme 2023. Collection method: clinical testing. Allele origin: germline.
Comment: The p.Q172R variant (also known as c.515A>G), located in coding exon 6 of the BRCA1 gene, results from an A to G substitution at nucleotide position 515. The glutamine at codon 172 is replaced by arginine, an amino acid with highly similar properties. This variant was observed in 1/3251 individuals who met eligibility criteria for hereditary breast and ovarian cancer syndrome (Lerner-Ellis J et al. J Cancer Res Clin Oncol, 2021 Mar;147:871-879). This amino acid position is well conserved in available vertebrate species. In addition, this alteration is predicted to be deleterious by in silico analysis. Since supporting evidence is limited at this time, the clinical significance of this alteration remains unclear.

Baylor Genetics
Classification: Uncertain significance for Breast-ovarian cancer, familial, susceptibility to, 1. Last evaluated: 2024-03-29. Review status: criteria provided, single submitter. Criteria: ACMG Guidelines, 2015. Collection method: clinical testing. Allele origin: unknown.

Department of Pathology and Laboratory Medicine, Sinai Health System
Classification: Uncertain significance for Malignant tumor of breast. Review status: no assertion criteria provided. Collection method: clinical testing. Allele origin: unknown. Affected: yes. Observed: 1 variant allele. Study: The Canadian Open Genetics Repository (COGR). Not counted in ClinVar's aggregate classification.
Comment: The BRCA1 p.Gln172Arg variant was not identified in the literature nor was it identified in the dbSNP, ClinVar, Clinvitae, GeneInsight-COGR, COSMIC, MutDB, LOVD 3.0, UMD-LSDB, BIC Database, ARUP Laboratories, Zhejiang Colon Cancer Database, databases. The variant was not identified in the 1000 Genomes Project, the NHLBI GO Exome Sequencing Project or the Exome Aggregation Consortium (August 8th 2016) control databases. The p.Gln172Arg residue is not conserved in mammals and four out of five computational analyses (PolyPhen-2, SIFT, AlignGVGD, BLOSUM, MutationTaster) do not suggest a high likelihood of impact to the protein; however, this information is not predictive enough to rule out pathogenicity. The variant occurs outside of the splicing consensus sequence and in silico or computational prediction software programs (SpliceSiteFinder, MaxEntScan, NNSPLICE, GeneSplicer, HumanSpliceFinder) do not predict a difference in splicing. The variant is located with the Breast cancer type 1 susceptibility protein (BRCA1) functional domain(s) increasing the likelihood that it may have clinical significance. In summary, based on the above information the clinical significance of this variant cannot be determined with certainty at this time. This variant is classified as a variant of uncertain significance.

Literature cited by the submitters: PubMed 33087888 (cited by Dasa); PubMed 32885271 (cited by Quest Diagnostics Nichols Institute San Juan Capistrano and Ambry Genetics); PubMed 31853058 (cited by Quest Diagnostics Nichols Institute San Juan Capistrano).